The following is an entry in ClinVar:

ClinVar aggregate classification (germline): Uncertain significance (1 of 4 stars; one submission).

Conditions:
Epileptic encephalopathy. Identifiers: MedGen C0543888, HP:0200134.

Allele frequency attached by ClinVar (database versions not stated): ExAC 0.00001; gnomAD exomes 0.00001.
gnomAD v4.1: 8 of 1,613,212 alleles (0.0005%); highest among the groups gnomAD compares: South Asian, 0.0011%; no homozygotes.

Submission:

Labcorp Genetics (formerly Invitae), Labcorp
Classification: Uncertain significance for Epileptic encephalopathy. Last evaluated: 2022-08-19. Review status: criteria provided, single submitter. Criteria: Invitae Variant Classification Sherloc (09022015). Collection method: clinical testing. Allele origin: germline.
Comment: In summary, the available evidence is currently insufficient to determine the role of this variant in disease. Therefore, it has been classified as a Variant of Uncertain Significance. Algorithms developed to predict the effect of missense changes on protein structure and function are either unavailable or do not agree on the potential impact of this missense change (SIFT: "Deleterious"; PolyPhen-2: "Probably Damaging"; Align-GVGD: "Class C0"). This variant has not been reported in the literature in individuals affected with FASN-related conditions. This variant is not present in population databases (gnomAD no frequency). This sequence change replaces threonine, which is neutral and polar, with methionine, which is neutral and non-polar, at codon 2365 of the FASN protein (p.Thr2365Met).

NM_004104.5(FASN):c.7094C>T (p.Thr2365Met)

Gene: FASN (fatty acid synthase; minus strand). Cytogenetic location: 17q25.3.
Variant type: single nucleotide variant.
Coding change: c.7094C>T on transcript NM_004104.5 (MANE Select); coding-DNA position 7094, C replaced by T.
Protein change: p.Thr2365Met; replaces threonine 2365 with methionine.
Molecular consequence: missense variant.
Genome position (GRCh38, 1-based): chr17:82,080,192, G>A on the plus strand (C>T on the coding strand, the complement: FASN is on the minus strand). VCF-style: chr17-82080192-G-A. GRCh37 (hg19) VCF-style: chr17-80038068-G-A.
Other names: short protein forms T2365M.
Identifiers: ClinVar variation 1966199 (VCV001966199.5), dbSNP rs775705403, ClinGen allele CA8851114.
Genomic context (GRCh38, chr17:82,080,192, plus strand): 5'-GGACCCACCCTGTTGTGCTCCATGTCCGTGAACTGCTGCACGAAGAAGCATATGGCCTCC[G>A]TCTCAGCCTCAGCCTCACAGCCTGGGGTCAGCTTTGCCCGGTAGCTCTGAGAGGAAGGAG-3'
Protein context (NP_004095.4, residues 2355-2375): LTPGCEAEAE[Thr2365Met]EAICFFVQQF